The following is an entry in ClinVar:

ClinVar aggregate classification (germline): Uncertain significance. Review status: criteria provided, multiple submitters, no conflicts (2 of 4 stars). 6 submissions from 6 submitters: Uncertain significance (5). 1 of the submissions does not count toward it. Last evaluated 2026-04-22.

Conditions:
Dyskeratosis congenita, autosomal recessive 5 (DKCB5). Identifiers: MedGen C3554656, MONDO:0014076, OMIM 615190.
Pulmonary fibrosis and/or bone marrow failure, Telomere-related, 3. Also called: PULMONARY FIBROSIS AND/OR BONE MARROW FAILURE SYNDROME, TELOMERE-RELATED, 3. Identifiers: Orphanet 2032, MedGen C4225346, MONDO:0014613, OMIM 616373.
RTEL1-related disorder. Also called: RTEL1-related condition; RTEL1-related disorders.
Inborn genetic diseases. Identifiers: MedGen C0950123, MeSH D030342.
Dyskeratosis congenita. Identifiers: Orphanet 1775, MedGen C0265965, MONDO:0015780.

Allele frequency attached by ClinVar (database versions not stated): gnomAD 0.00002 and 0.00005; TOPMed 0.00002; gnomAD exomes 0.00006; ExAC 0.00008.
gnomAD v4.1: 81 of 1,601,806 alleles (0.0051%); highest among the groups gnomAD compares: South Asian, 0.052%; no homozygotes.

Submissions (6):

PreventionGenetics, part of Exact Sciences
Classification: Uncertain significance for RTEL1-related condition. Last evaluated: 2026-04-22. Review status: criteria provided, single submitter. Criteria: ACMG Guidelines, 2015. Collection method: clinical testing. Allele origin: germline.
Comment: The RTEL1 c.3161C>T variant is predicted to result in the amino acid substitution p.Ser1054Leu. To our knowledge, this variant has not been reported in the literature. This variant is reported in 0.039% of alleles in individuals of South Asian descent in gnomAD. At this time, the clinical significance of this variant is uncertain due to the absence of conclusive functional and genetic evidence.

GeneDx
Classification: Uncertain significance. Last evaluated: 2025-04-06. Review status: criteria provided, single submitter. Criteria: GeneDx Variant Classification Process June 2021. Collection method: clinical testing. Allele origin: germline. Affected: yes.
Comment: In silico analysis indicates that this missense variant does not alter protein structure/function; Has not been previously published as pathogenic or benign to our knowledge

Labcorp Genetics (formerly Invitae), Labcorp
Classification: Uncertain significance for Dyskeratosis congenita, autosomal recessive 5; Pulmonary fibrosis and/or bone marrow failure, Telomere-related, 3. Last evaluated: 2024-03-25. Review status: criteria provided, single submitter. Criteria: Invitae Variant Classification Sherloc (09022015). Collection method: clinical testing. Allele origin: germline.
Comment: This sequence change replaces serine, which is neutral and polar, with leucine, which is neutral and non-polar, at codon 1030 of the RTEL1 protein (p.Ser1030Leu). This variant is present in population databases (rs756579704, gnomAD 0.04%). This variant has not been reported in the literature in individuals affected with RTEL1-related conditions. ClinVar contains an entry for this variant (Variation ID: 651206). An algorithm developed to predict the effect of missense changes on protein structure and function (PolyPhen-2) suggests that this variant¬¨‚Ä†is likely to be tolerated. In summary, the available evidence is currently insufficient to determine the role of this variant in disease. Therefore, it has been classified as a Variant of Uncertain Significance.

Ambry Genetics
Classification: Uncertain significance for Inborn genetic diseases. Last evaluated: 2022-06-27. Review status: criteria provided, single submitter. Criteria: Ambry Variant Classification Scheme 2023. Collection method: clinical testing. Allele origin: germline.
Comment: The p.S1054L variant (also known as c.3161C>T), located in coding exon 30 of the RTEL1 gene, results from a C to T substitution at nucleotide position 3161. The serine at codon 1054 is replaced by leucine, an amino acid with dissimilar properties. This amino acid position is conserved. In addition, this alteration is predicted to be tolerated by in silico analysis. Since supporting evidence is limited at this time, the clinical significance of this alteration remains unclear.

Sema4
Classification: Uncertain significance for Dyskeratosis congenita. Last evaluated: 2022-01-18. Review status: criteria provided, single submitter. Criteria: Sema4 Curation Guidelines. Collection method: curation. Allele origin: germline.
Comment: The RTEL1 c.3089C>T (p.S1030L) variant has not been reported in the literature to our knowledge. This variant is also refered to as c.3161C>T (p.S1054L) using reference transcript NM_032957.5. It was observed in 12/30448 chromosomes of the South Asian subpopulation, with no homozygotes, in the large and broad cohorts of the Genome Aggregation Database (PMID: 32461654). This variant has been reported in ClinVar (Variation ID 651206). Functional studies have not been performed, and in silico predictions of the variant's effect on protein function are inconclusive. The evidence is insufficient to meet ACMG/AMP criteria for classifying the variant as benign or pathogenic. Thus, the clinical significance of this variant is currently uncertain.

Natera, Inc.
Classification: Uncertain significance for Dyskeratosis congenita. Last evaluated: 2020-02-26. Review status: no assertion criteria provided. Collection method: clinical testing. Allele origin: germline. Not counted in ClinVar's aggregate classification.

NM_001283009.2(RTEL1):c.3089C>T (p.Ser1030Leu)

Genes: RTEL1 (regulator of telomere elongation helicase 1; plus strand), RTEL1-TNFRSF6B (RTEL1-TNFRSF6B readthrough (NMD candidate); plus strand). Cytogenetic location: 20q13.33.
Variant type: single nucleotide variant.
Coding change: c.3089C>T on transcript NM_001283009.2 (MANE Select); coding-DNA position 3089, C replaced by T.
Protein change: p.Ser1030Leu; replaces serine 1030 with leucine.
Molecular consequence: missense variant. On other transcripts: non-coding transcript variant (1).
Genome position (GRCh38, 1-based): chr20:63,694,468, C>T. VCF-style: chr20-63694468-C-T. GRCh37 (hg19) VCF-style: chr20-62325821-C-T.
Other names: c.3089C>T (NM_001283009.1); c.2420C>T, p.Ser807Leu (NM_001283010.1); c.3089C>T, p.Ser1030Leu (NM_016434.4); c.3161C>T, p.Ser1054Leu (NM_032957.5); short protein forms S1030L, S807L, S1054L.
Identifiers: ClinVar variation 651206 (VCV000651206.11), dbSNP rs756579704, ClinGen allele CA9965828.